The following is an entry in ClinVar:

ClinVar aggregate classification (germline): Benign. Review status: criteria provided, multiple submitters, no conflicts (2 of 4 stars). 8 submissions from 8 submitters: Benign (6). 2 of the submissions do not count toward it. Last evaluated 2023-02-08.

Conditions:
SGCA-related disorder. Also called: SGCA-related condition.
Sarcoglycanopathy. Identifiers: Orphanet 207052, MedGen C2936331, MONDO:0016140.
Dystrophin deficiency.
Autosomal recessive limb-girdle muscular dystrophy type 2D (LGMDR3). Also called: DUCHENNE-LIKE AUTOSOMAL RECESSIVE MUSCULAR DYSTROPHY, TYPE 2; MUSCULAR DYSTROPHY, LIMB-GIRDLE, AUTOSOMAL RECESSIVE 3; ADHALINOPATHY, PRIMARY. Identifiers: Orphanet 62, MedGen C2936332, MONDO:0011968, OMIM 608099. Disease mechanism: Affects gamma-sarcoglycan and also disrupts the integrity of the entire sarcoglycan complex..

Allele frequency attached by ClinVar (database versions not stated): gnomAD exomes 0.00090 and 0.00248; ExAC 0.00317; ESP Exome Variant Server 0.01030; TOPMed 0.01059; 1000 Genomes Project 0.01178; 1000 Genomes Project 30x 0.01327.
gnomAD v4.1: 2,890 of 1,612,812 alleles (0.18%); highest among the groups gnomAD compares: African/African-American, 3.2%; 41 homozygotes.

Submissions (8):

Genome-Nilou Lab
Classification: Benign for Autosomal recessive limb-girdle muscular dystrophy type 2D. Last evaluated: 2023-02-08. Review status: criteria provided, single submitter. Criteria: ACMG Guidelines, 2015. Collection method: clinical testing. Allele origin: germline.

Mayo Clinic Laboratories, Mayo Clinic
Classification: Benign. Last evaluated: 2018-05-25. Review status: criteria provided, single submitter. Criteria: ACMG Guidelines, 2015. Collection method: clinical testing. Allele origin: germline. Observed: 6 variant alleles.

Illumina Laboratory Services, Illumina
Classification: Benign for Sarcoglycanopathy. Last evaluated: 2018-01-12. Review status: criteria provided, single submitter. Criteria: ICSL Variant Classification Criteria 13 December 2019. Collection method: clinical testing. Allele origin: germline.
Comment: This variant was observed in the ICSL laboratory as part of a predisposition screen in an ostensibly healthy population. It had not been previously curated by ICSL or reported in the Human Gene Mutation Database (HGMD: prior to June 1st, 2018), and was therefore a candidate for classification through an automated scoring system. Utilizing variant allele frequency, disease prevalence and penetrance estimates, and inheritance mode, an automated score was calculated to assess if this variant is too frequent to cause the disease. Based on the score and internal cut-off values, a variant classified as benign is not then subjected to further curation. The score for this variant resulted in a classification of benign for this disease.

GeneDx
Classification: Benign. Last evaluated: 2016-06-24. Review status: criteria provided, single submitter. Criteria: GeneDx Variant Classification (06012015). Collection method: clinical testing. Allele origin: germline. Affected: yes.
Comment: This variant is considered likely benign or benign based on one or more of the following criteria: it is a conservative change, it occurs at a poorly conserved position in the protein, it is predicted to be benign by multiple in silico algorithms, and/or has population frequency not consistent with disease.

Eurofins Ntd Llc (ga)
Classification: Benign. Last evaluated: 2016-05-20. Review status: criteria provided, single submitter. Criteria: EGL Classification Definitions 2015. Collection method: clinical testing. Allele origin: germline.

Breakthrough Genomics
Classification: Benign. Review status: criteria provided, single submitter. Criteria: ACMG Guidelines, 2015. Collection method: not provided. Allele origin: germline. Inheritance: Autosomal recessive inheritance. Affected: yes.

Natera, Inc.
Classification: Benign for Dystrophin deficiency. Last evaluated: 2020-09-16. Review status: no assertion criteria provided. Collection method: clinical testing. Allele origin: germline. Not counted in ClinVar's aggregate classification.

PreventionGenetics, part of Exact Sciences
Classification: Benign for SGCA-related condition. Last evaluated: 2019-05-08. Review status: no assertion criteria provided. Collection method: clinical testing. Allele origin: germline. Not counted in ClinVar's aggregate classification.
Comment: This variant is classified as benign based on ACMG/AMP sequence variant interpretation guidelines (Richards et al. 2015 PMID: 25741868, with internal and published modifications).

NM_000023.4(SGCA):c.-8G>A

Gene: SGCA (sarcoglycan alpha; plus strand). Cytogenetic location: 17q21.33.
Variant type: single nucleotide variant.
Coding change: c.-8G>A on transcript NM_000023.4 (MANE Select); 8 bases upstream of the start codon, G replaced by A.
Molecular consequence: 5 prime UTR variant. On other transcripts: non-coding transcript variant (1).
Genome position (GRCh38, 1-based): chr17:50,166,033, G>A. VCF-style: chr17-50166033-G-A. GRCh37 (hg19) VCF-style: chr17-48243394-G-A.
Other names: c.-8G>A (NM_001135697.3, NM_000023.3).
Identifiers: ClinVar variation 288271 (VCV000288271.15), dbSNP rs149296410, ClinGen allele CA8643638.